The following is an entry in ClinVar:

ClinVar aggregate classification (germline): Uncertain significance (1 of 4 stars; one submission).

Conditions:
Arginine:glycine amidinotransferase deficiency (CCDS3). Also called: AGAT deficiency; L-Arginine:Glycine Amidinotransferase Deficiency; L-Arginine:Glycine Amidinotransferase (AGAT) Deficiency; Cerebral creatine deficiency syndrome 3; Creatine deficiency syndrome due to AGAT deficiency; GATM deficiency. Identifiers: Orphanet 35704, MedGen C2675179, MONDO:0012996, OMIM 612718.

Submission:

Labcorp Genetics (formerly Invitae), Labcorp
Classification: Uncertain significance for Arginine:glycine amidinotransferase deficiency. Last evaluated: 2022-06-20. Review status: criteria provided, single submitter. Criteria: Invitae Variant Classification Sherloc (09022015). Collection method: clinical testing. Allele origin: germline.
Comment: In summary, the available evidence is currently insufficient to determine the role of this variant in disease. Therefore, it has been classified as a Variant of Uncertain Significance. Algorithms developed to predict the effect of missense changes on protein structure and function are either unavailable or do not agree on the potential impact of this missense change (SIFT: "Deleterious"; PolyPhen-2: "Possibly Damaging"; Align-GVGD: "Class C0"). This variant has not been reported in the literature in individuals affected with GATM-related conditions. This variant is not present in population databases (gnomAD no frequency). This sequence change replaces alanine, which is neutral and non-polar, with serine, which is neutral and polar, at codon 185 of the GATM protein (p.Ala185Ser).

NM_001482.3(GATM):c.553G>T (p.Ala185Ser)

Gene: GATM (glycine amidinotransferase; minus strand). Cytogenetic location: 15q21.1.
Variant type: single nucleotide variant.
Coding change: c.553G>T on transcript NM_001482.3 (MANE Select); coding-DNA position 553, G replaced by T.
Protein change: p.Ala185Ser; replaces alanine 185 with serine.
Molecular consequence: missense variant.
Genome position (GRCh38, 1-based): chr15:45,368,192, C>A on the plus strand (G>T on the coding strand, the complement: GATM is on the minus strand). VCF-style: chr15-45368192-C-A. GRCh37 (hg19) VCF-style: chr15-45660390-C-A.
Other names: c.166G>T, p.Ala56Ser (NM_001321015.2); short protein forms A56S, A185S.
Identifiers: ClinVar variation 1353682 (VCV001353682.8), dbSNP rs2140644920, ClinGen allele CA392261137.